The following is an entry in ClinVar:

ClinVar aggregate classification (germline): Uncertain significance. Review status: criteria provided, multiple submitters, no conflicts (2 of 4 stars). 3 submissions from 3 submitters: Uncertain significance (3). Last evaluated 2025-11-12.

Conditions:
SCN11A-related disorder. Also called: SCN11A-related condition.
Hereditary sensory and autonomic neuropathy type 7. Also called: Neuropathy, hereditary sensory and autonomic, type VII; HSAN VII. Identifiers: Orphanet 391397, MedGen C3809882, MONDO:0014244, OMIM 615548.
Familial episodic pain syndrome with predominantly lower limb involvement. Also called: Episodic pain syndrome, familial, 3. Identifiers: Orphanet 391384, Orphanet 391392, MedGen C3809899, MONDO:0014247, OMIM 615552.

Allele frequency attached by ClinVar (database versions not stated): ExAC 0.00001; gnomAD 0.00001 and 0.00002; gnomAD exomes 0.00002; TOPMed 0.00002.
gnomAD v4.1: 25 of 1,613,168 alleles (0.0015%); highest among the groups gnomAD compares: Non-Finnish European, 0.002%; no homozygotes.

Submissions (3):

PreventionGenetics, part of Exact Sciences
Classification: Uncertain significance for SCN11A-related condition. Last evaluated: 2025-11-12. Review status: criteria provided, single submitter. Criteria: ACMG Guidelines, 2015. Collection method: clinical testing. Allele origin: germline.
Comment: The SCN11A c.941G>T variant is predicted to result in the amino acid substitution p.Gly314Val. To our knowledge, this variant has not been reported in the literature. This variant is reported in 0.0035% of alleles in individuals of European (non-Finnish) descent in gnomAD. At this time, the clinical significance of this variant is uncertain due to the absence of conclusive functional and genetic evidence.

Labcorp Genetics (formerly Invitae), Labcorp
Classification: Uncertain significance for Familial episodic pain syndrome with predominantly lower limb involvement; Hereditary sensory and autonomic neuropathy type 7. Last evaluated: 2025-07-09. Review status: criteria provided, single submitter. Criteria: Invitae Variant Classification Sherloc (09022015). Collection method: clinical testing. Allele origin: germline.
Comment: This sequence change replaces glycine, which is neutral and non-polar, with valine, which is neutral and non-polar, at codon 314 of the SCN11A protein (p.Gly314Val). This variant is present in population databases (rs201513140, gnomAD 0.004%). This variant has not been reported in the literature in individuals affected with SCN11A-related conditions. ClinVar contains an entry for this variant (Variation ID: 1039340). Invitae Evidence Modeling of protein sequence and biophysical properties (such as structural, functional, and spatial information, amino acid conservation, physicochemical variation, residue mobility, and thermodynamic stability) has been performed for this missense variant. However, the output from this modeling did not meet the statistical confidence thresholds required to predict the impact of this variant on SCN11A protein function. In summary, the available evidence is currently insufficient to determine the role of this variant in disease. Therefore, it has been classified as a Variant of Uncertain Significance.

CeGaT Center for Human Genetics Tuebingen
Classification: Uncertain significance. Last evaluated: 2022-10-01. Review status: criteria provided, single submitter. Criteria: CeGaT Center For Human Genetics Tuebingen Variant Classification Criteria Version 2. Collection method: clinical testing. Allele origin: germline. Affected: yes. Observed: 1 variant allele.
Comment: SCN11A: PM2:Supporting

NM_001349253.2(SCN11A):c.941G>T (p.Gly314Val)

Gene: SCN11A (sodium voltage-gated channel alpha subunit 11; minus strand). Cytogenetic location: 3p22.2.
Variant type: single nucleotide variant.
Coding change: c.941G>T on transcript NM_001349253.2 (MANE Select); coding-DNA position 941, G replaced by T.
Protein change: p.Gly314Val; replaces glycine 314 with valine.
Molecular consequence: missense variant.
Genome position (GRCh38, 1-based): chr3:38,919,953, C>A on the plus strand (G>T on the coding strand, the complement: SCN11A is on the minus strand). VCF-style: chr3-38919953-C-A. GRCh37 (hg19) VCF-style: chr3-38961444-C-A.
Other names: c.941G>T, p.Gly314Val (NM_014139.3); c.941G>T (NM_014139.2); short protein forms G314V.
Identifiers: ClinVar variation 1039340 (VCV001039340.35), dbSNP rs201513140, ClinGen allele CA2322463.